The following is an entry in ClinVar:

NM_001292063.2(OTOG):c.1454C>T (p.Thr485Ile)

Gene: OTOG (otogelin; plus strand). Cytogenetic location: 11p15.1.
Variant type: single nucleotide variant.
Coding change: c.1454C>T on transcript NM_001292063.2 (MANE Select); coding-DNA position 1454, C replaced by T.
Protein change: p.Thr485Ile; replaces threonine 485 with isoleucine.
Molecular consequence: missense variant.
Genome position (GRCh38, 1-based): chr11:17,561,093, C>T. VCF-style: chr11-17561093-C-T. GRCh37 (hg19) VCF-style: chr11-17582640-C-T.
Other names: c.1490C>T (NM_001277269.1); c.1490C>T, p.Thr497Ile (NM_001277269.2); short protein forms T485I, T497I.
Identifiers: ClinVar variation 1900208 (VCV001900208.7), dbSNP rs1193253597, ClinGen allele CA379817744.

ClinVar aggregate classification (germline): Uncertain significance. Review status: criteria provided, multiple submitters, no conflicts (2 of 4 stars). 4 submissions from 4 submitters: Uncertain significance (4). Last evaluated 2026-07-01.

Conditions:
OTOG-related disorder. Also called: OTOG-related condition.

Allele frequency attached by ClinVar (database versions not stated): gnomAD exomes below 0.00001; gnomAD 0.00001.
gnomAD v4.1: 7 of 1,550,448 alleles (0.00045%); highest among the groups gnomAD compares: African/African-American, 0.0082%; no homozygotes.

Submissions (4):

GeneDx
Classification: Uncertain significance. Last evaluated: 2026-07-01. Review status: criteria provided, single submitter. Criteria: GeneDx Variant Classification Process June 2021. Collection method: clinical testing. Allele origin: germline.
Comment: Not observed at significant frequency in large population cohorts (gnomAD); In silico analysis suggests that this missense variant does not alter protein structure/function; Has not been previously published as pathogenic or benign to our knowledge

PreventionGenetics, part of Exact Sciences
Classification: Uncertain significance for OTOG-related condition. Last evaluated: 2025-04-21. Review status: criteria provided, single submitter. Criteria: ACMG Guidelines, 2015. Collection method: clinical testing. Allele origin: germline.
Comment: The OTOG c.1490C>T variant is predicted to result in the amino acid substitution p.Thr497Ile. To our knowledge, this variant has not been reported in the literature or in a large population database (gnomAD), indicating this variant is rare. At this time, the clinical significance of this variant is uncertain due to the absence of conclusive functional and genetic evidence.

Blueprint Genetics
Classification: Uncertain significance. Last evaluated: 2024-02-16. Review status: criteria provided, single submitter. Criteria: ACMG Guidelines, 2015. Collection method: clinical testing. Allele origin: germline.

Labcorp Genetics (formerly Invitae), Labcorp
Classification: Uncertain significance. Last evaluated: 2022-07-15. Review status: criteria provided, single submitter. Criteria: Invitae Variant Classification Sherloc (09022015). Collection method: clinical testing. Allele origin: germline.
Comment: This variant is present in population databases (no rsID available, gnomAD no frequency). In summary, the available evidence is currently insufficient to determine the role of this variant in disease. Therefore, it has been classified as a Variant of Uncertain Significance. Algorithms developed to predict the effect of missense changes on protein structure and function are either unavailable or do not agree on the potential impact of this missense change (SIFT: "Deleterious"; PolyPhen-2: "Benign"; Align-GVGD: "Class C0"). This variant has not been reported in the literature in individuals affected with OTOG-related conditions. This sequence change replaces threonine, which is neutral and polar, with isoleucine, which is neutral and non-polar, at codon 497 of the OTOG protein (p.Thr497Ile).